The following is an entry in ClinVar:

NM_001017995.3(SH3PXD2B):c.1284G>C (p.Thr428=)

Gene: SH3PXD2B (SH3 and PX domains 2B; minus strand). Cytogenetic location: 5q35.1.
Variant type: single nucleotide variant.
Coding change: c.1284G>C on transcript NM_001017995.3 (MANE Select); coding-DNA position 1284, G replaced by C.
Protein change: p.Thr428=; no amino-acid change (threonine 428 retained).
Molecular consequence: synonymous variant. On other transcripts: intron variant (1).
Genome position (GRCh38, 1-based): chr5:172,339,821, C>G on the plus strand (G>C on the coding strand, the complement: SH3PXD2B is on the minus strand). VCF-style: chr5-172339821-C-G. GRCh37 (hg19) VCF-style: chr5-171766825-C-G.
Other names: c.1188+6315G>C (NM_001308175.2).
Identifiers: ClinVar variation 352813 (VCV000352813.15), dbSNP rs3812017, ClinGen allele CA3561227.

ClinVar aggregate classification (germline): Benign. Review status: criteria provided, multiple submitters, no conflicts (2 of 4 stars). 3 submissions from 3 submitters: Benign (3). Last evaluated 2026-01-27.

Conditions:
Frank-Ter Haar syndrome. Also called: TER HAAR SYNDROME; MELNICK-NEEDLES SYNDROME, AUTOSOMAL RECESSIVE; BORRONE DERMATOCARDIOSKELETAL SYNDROME; Borrone di Rocco Crovato syndrome. Identifiers: Orphanet 1266, Orphanet 137834, MedGen C1855305, MONDO:0009579, OMIM 249420.

Allele frequency attached by ClinVar (database versions not stated): ESP Exome Variant Server 0.04544; TOPMed 0.04633; 1000 Genomes Project 0.04972; 1000 Genomes Project 30x 0.05153.
gnomAD v4.1: 16,477 of 1,613,982 alleles (1%); highest among the groups gnomAD compares: African/African-American, 13%; 739 homozygotes.

Submissions (3):

Labcorp Genetics (formerly Invitae), Labcorp
Classification: Benign. Last evaluated: 2026-01-27. Review status: criteria provided, single submitter. Criteria: Invitae Variant Classification Sherloc (09022015). Collection method: clinical testing. Allele origin: germline.

GeneDx
Classification: Benign. Last evaluated: 2018-08-14. Review status: criteria provided, single submitter. Criteria: GeneDx Variant Classification Process June 2021. Collection method: clinical testing. Allele origin: germline. Affected: yes.

Illumina Laboratory Services, Illumina
Classification: Benign for Frank-Ter Haar syndrome. Last evaluated: 2018-01-13. Review status: criteria provided, single submitter. Criteria: ICSL Variant Classification Criteria 13 December 2019. Collection method: clinical testing. Allele origin: germline.
Comment: This variant was observed in the ICSL laboratory as part of a predisposition screen in an ostensibly healthy population. It had not been previously curated by ICSL or reported in the Human Gene Mutation Database (HGMD: prior to June 1st, 2018), and was therefore a candidate for classification through an automated scoring system. Utilizing variant allele frequency, disease prevalence and penetrance estimates, and inheritance mode, an automated score was calculated to assess if this variant is too frequent to cause the disease. Based on the score and internal cut-off values, a variant classified as benign is not then subjected to further curation. The score for this variant resulted in a classification of benign for this disease.